The following is an entry in ClinVar:

NM_032119.4(ADGRV1):c.5408C>A (p.Ser1803Tyr)

Gene: ADGRV1 (adhesion G protein-coupled receptor V1; plus strand). Cytogenetic location: 5q14.3.
Variant type: single nucleotide variant.
Coding change: c.5408C>A on transcript NM_032119.4 (MANE Select); coding-DNA position 5408, C replaced by A.
Protein change: p.Ser1803Tyr; replaces serine 1803 with tyrosine.
Molecular consequence: missense variant. On other transcripts: non-coding transcript variant (1).
Genome position (GRCh38, 1-based): chr5:90,676,174, C>A. VCF-style: chr5-90676174-C-A. GRCh37 (hg19) VCF-style: chr5-89971991-C-A.
Other names: short protein forms S1803Y.
Identifiers: ClinVar variation 857961 (VCV000857961.13), dbSNP rs371348667, ClinGen allele CA3339559.

ClinVar aggregate classification (germline): Conflicting classifications of pathogenicity. Review status: criteria provided, conflicting classifications (1 of 4 stars). 5 submissions from 5 submitters: Uncertain significance (3); Likely benign (1). 1 of the submissions does not count toward it. Last evaluated 2026-03-19.

Conditions:
ADGRV1-related disorder. Also called: ADGRV1-related disorders; ADGRV1-related condition.
Inborn genetic diseases. Identifiers: MedGen C0950123, MeSH D030342.

Allele frequency attached by ClinVar (database versions not stated): TOPMed 0.00022; ESP Exome Variant Server 0.00009; gnomAD 0.00010; ExAC 0.00004.
gnomAD v4.1: 60 of 1,605,906 alleles (0.0037%); highest among the groups gnomAD compares: Admixed American, 0.051%; no homozygotes.

Submissions (5):

Ambry Genetics
Classification: Uncertain significance for Inborn genetic diseases. Last evaluated: 2026-03-19. Review status: criteria provided, single submitter. Criteria: Ambry Variant Classification Scheme 2023. Collection method: clinical testing. Allele origin: germline.

Labcorp Genetics (formerly Invitae), Labcorp
Classification: Likely benign. Last evaluated: 2025-12-30. Review status: criteria provided, single submitter. Criteria: Invitae Variant Classification Sherloc (09022015). Collection method: clinical testing. Allele origin: germline.

GeneDx
Classification: Uncertain significance. Last evaluated: 2025-06-11. Review status: criteria provided, single submitter. Criteria: GeneDx Variant Classification Process June 2021. Collection method: clinical testing. Allele origin: germline.
Comment: In silico analysis suggests that this missense variant does not alter protein structure/function; This variant is associated with the following publications: (PMID: 38927702)

Blueprint Genetics
Classification: Uncertain significance. Last evaluated: 2023-09-21. Review status: criteria provided, single submitter. Criteria: ACMG Guidelines, 2015. Collection method: clinical testing. Allele origin: germline.

PreventionGenetics, part of Exact Sciences
Classification: Uncertain significance for ADGRV1-related condition. Last evaluated: 2024-08-27. Review status: no assertion criteria provided. Collection method: clinical testing. Allele origin: germline. Not counted in ClinVar's aggregate classification.
Comment: The ADGRV1 c.5408C>A variant is predicted to result in the amino acid substitution p.Ser1803Tyr. To our knowledge, this variant has not been reported in the literature in individuals with ADGRV1-related disease. This variant is reported in 0.033% of alleles in individuals of Latino descent in gnomAD. At this time, the clinical significance of this variant is uncertain due to the absence of conclusive functional and genetic evidence.